The following is an entry in ClinVar:

ClinVar aggregate classification (germline): Uncertain significance. Review status: criteria provided, multiple submitters, no conflicts (2 of 4 stars). 2 submissions from 2 submitters: Uncertain significance (2). Last evaluated 2024-12-17.

Allele frequency attached by ClinVar (database versions not stated): TOPMed 0.00013; gnomAD 0.00016 and 0.00019; gnomAD exomes 0.00016 and 0.00021; ESP Exome Variant Server 0.00017; ExAC 0.00025; 1000 Genomes Project 30x 0.00047; 1000 Genomes Project 0.00060.

Submissions (2):

Women's Health and Genetics/Laboratory Corporation of America, LabCorp
Classification: Uncertain significance. Last evaluated: 2024-12-17. Review status: criteria provided, single submitter. Criteria: LabCorp Variant Classification Summary - May 2015. Collection method: clinical testing. Allele origin: germline.
Comment: Variant summary: SBF1 c.2643+6C>T alters a non-conserved nucleotide located close to a canonical splice site and therefore could affect mRNA splicing, leading to a significantly altered protein sequence. Consensus agreement among computation tools predict no significant impact on normal splicing. However, these predictions have yet to be confirmed by functional studies. The variant allele was found at a frequency of 0.00021 in 245584 control chromosomes (gnomAD). This frequency is not significantly higher than estimated for a pathogenic variant in SBF1 causing Charcot-Marie-Tooth disease type 4B3 (0.00021 vs 0.0011), allowing no conclusion about variant significance. To our knowledge, no occurrence of c.2643+6C>T in individuals affected with Charcot-Marie-Tooth disease type 4B3 and no experimental evidence demonstrating its impact on protein function have been reported. ClinVar contains an entry for this variant (Variation ID: 1481993). Based on the evidence outlined above, the variant was classified as uncertain significance.

Labcorp Genetics (formerly Invitae), Labcorp
Classification: Uncertain significance. Last evaluated: 2022-08-23. Review status: criteria provided, single submitter. Criteria: Invitae Variant Classification Sherloc (09022015). Collection method: clinical testing. Allele origin: germline.
Comment: This sequence change falls in intron 21 of the SBF1 gene. It does not directly change the encoded amino acid sequence of the SBF1 protein. It affects a nucleotide within the consensus splice site. This variant is present in population databases (rs377495847, gnomAD 0.1%). This variant has not been reported in the literature in individuals affected with SBF1-related conditions. ClinVar contains an entry for this variant (Variation ID: 1481993). Variants that disrupt the consensus splice site are a relatively common cause of aberrant splicing (PMID: 17576681, 9536098). Algorithms developed to predict the effect of sequence changes on RNA splicing suggest that this variant is not likely to affect RNA splicing. In summary, the available evidence is currently insufficient to determine the role of this variant in disease. Therefore, it has been classified as a Variant of Uncertain Significance.

Literature cited by the submitters: PubMed 17576681 (cited by Labcorp Genetics (formerly Invitae), Labcorp); PubMed 9536098 (cited by Labcorp Genetics (formerly Invitae), Labcorp).

NM_002972.4(SBF1):c.2643+6C>T

Gene: SBF1 (SET binding factor 1; minus strand). Cytogenetic location: 22q13.33.
Variant type: single nucleotide variant.
Coding change: c.2643+6C>T on transcript NM_002972.4 (MANE Select); 6 bases into the intron after coding-DNA position 2643, C replaced by T.
Molecular consequence: intron variant.
Genome position (GRCh38, 1-based): chr22:50,461,790, G>A on the plus strand (C>T on the coding strand, the complement: SBF1 is on the minus strand). VCF-style: chr22-50461790-G-A. GRCh37 (hg19) VCF-style: chr22-50900219-G-A.
Other names: c.2646+6C>T (NM_001365819.1).
Identifiers: ClinVar variation 1481993 (VCV001481993.4), dbSNP rs377495847, ClinGen allele CA10317130.